The following is an entry in ClinVar:

NM_007078.3(LDB3):c.2128T>C (p.Tyr710His)

Gene: LDB3 (LIM domain binding 3; plus strand). Cytogenetic location: 10q23.2.
Variant type: single nucleotide variant.
Coding change: c.2128T>C on transcript NM_007078.3 (MANE Select); coding-DNA position 2128, T replaced by C.
Protein change: p.Tyr710His; replaces tyrosine 710 with histidine.
Molecular consequence: missense variant.
Genome position (GRCh38, 1-based): chr10:86,732,920, T>C. VCF-style: chr10-86732920-T-C. GRCh37 (hg19) VCF-style: chr10-88492677-T-C.
Other names: c.1798T>C, p.Tyr600His (NM_001080114.2); c.2143T>C, p.Tyr715His (NM_001171610.2); c.1939T>C, p.Tyr647His (NM_001368064.1, NM_001368065.1); c.1987T>C, p.Tyr663His (NM_001368066.1); short protein forms Y600H, Y663H, Y710H, Y715H, Y647H.
Identifiers: ClinVar variation 972153 (VCV000972153.8), dbSNP rs1847526825, ClinGen allele CA377460264.

ClinVar aggregate classification (germline): Uncertain significance (1 of 4 stars; one submission).

Conditions:
Myofibrillar myopathy 4. Also called: Zaspopathy (type). Identifiers: Orphanet 98912, MedGen C4721886, MONDO:0012277, OMIM 609452.

Submission:

Labcorp Genetics (formerly Invitae), Labcorp
Classification: Uncertain significance for Myofibrillar myopathy 4. Last evaluated: 2019-12-31. Review status: criteria provided, single submitter. Criteria: Invitae Variant Classification Sherloc (09022015). Collection method: clinical testing. Allele origin: germline.
Comment: This variant is not present in population databases (ExAC no frequency). This sequence change replaces tyrosine with histidine at codon 710 of the LDB3 protein (p.Tyr710His). The tyrosine residue is highly conserved and there is a moderate physicochemical difference between the two amino acids. The LDB3 gene has multiple clinically relevant transcripts. This variant occurs in alternate transcript NM_007078.2, and corresponds to NM_001080116.1:c.*33546T>C in the primary transcript. This variant has not been reported in the literature in individuals with LDB3-related conditions. In summary, the available evidence is currently insufficient to determine the role of this variant in disease. Therefore, it has been classified as a Variant of Uncertain Significance. Experimental studies and prediction algorithms are not available or were not evaluated, and the functional significance of this variant is currently unknown.